The following is an entry in ClinVar:

ClinVar aggregate classification (germline): Uncertain significance (1 of 4 stars; one submission).

Conditions:
Gastrointestinal stromal tumor. Also called: Gastrointestinal stromal tumor, somatic; Gastrointestinal stroma tumor. Identifiers: Orphanet 44890, MedGen C0238198, MeSH D046152, MONDO:0011719, OMIM 606764, HP:0100723.

Submission:

Labcorp Genetics (formerly Invitae), Labcorp
Classification: Uncertain significance for Gastrointestinal stromal tumor. Last evaluated: 2020-09-09. Review status: criteria provided, single submitter. Criteria: Invitae Variant Classification Sherloc (09022015). Collection method: clinical testing. Allele origin: germline.
Comment: In summary, the available evidence is currently insufficient to determine the role of this variant in disease. Therefore, it has been classified as a Variant of Uncertain Significance. Algorithms developed to predict the effect of missense changes on protein structure and function (SIFT, PolyPhen-2, Align-GVGD) all suggest that this variant is likely to be disruptive, but these predictions have not been confirmed by published functional studies and their clinical significance is uncertain. This variant has not been reported in the literature in individuals with KIT-related conditions. This variant is not present in population databases (ExAC no frequency). This sequence change replaces valine with alanine at codon 214 of the KIT protein (p.Val214Ala). The valine residue is highly conserved and there is a small physicochemical difference between valine and alanine.

NM_000222.3(KIT):c.641T>C (p.Val214Ala)

Gene: KIT (KIT proto-oncogene, receptor tyrosine kinase; plus strand). Cytogenetic location: 4q12.
Variant type: single nucleotide variant.
Coding change: c.641T>C on transcript NM_000222.3 (MANE Select); coding-DNA position 641, T replaced by C.
Protein change: p.Val214Ala; replaces valine 214 with alanine.
Molecular consequence: missense variant.
Genome position (GRCh38, 1-based): chr4:54,699,651, T>C. VCF-style: chr4-54699651-T-C. GRCh37 (hg19) VCF-style: chr4-55565817-T-C.
Other names: c.641T>C, p.Val214Ala (NM_001093772.2, NM_001385284.1, NM_001385285.1 and 4 more transcripts); short protein forms V214A.
Identifiers: ClinVar variation 1044707 (VCV001044707.9), dbSNP rs1720323264, ClinGen allele CA356898186.